The following is an entry in ClinVar:

NM_000235.4(LIPA):c.982T>C (p.Tyr328His)

Gene: LIPA (lipase A, lysosomal acid type; minus strand). Cytogenetic location: 10q23.31.
Variant type: single nucleotide variant.
Coding change: c.982T>C on transcript NM_000235.4 (MANE Select); coding-DNA position 982, T replaced by C.
Protein change: p.Tyr328His; replaces tyrosine 328 with histidine.
Molecular consequence: missense variant.
Genome position (GRCh38, 1-based): chr10:89,215,046, A>G on the plus strand (T>C on the coding strand, the complement: LIPA is on the minus strand). VCF-style: chr10-89215046-A-G. GRCh37 (hg19) VCF-style: chr10-90974803-A-G.
Other names: c.982T>C, p.Tyr328His (NM_001127605.3, NM_001440818.1, NM_001440819.1 and 16 more transcripts); c.634T>C, p.Tyr212His (NM_001288979.2); c.1114T>C, p.Tyr372His (NM_001440836.1); c.1003T>C, p.Tyr335His (NM_001440837.1); c.997T>C, p.Tyr333His (NM_001440838.1); c.814T>C, p.Tyr272His (NM_001440839.1); short protein forms Y212H, Y328H, Y333H, Y372H, Y335H, Y272H.
Identifiers: ClinVar variation 5000717 (VCV005000717.1).

ClinVar aggregate classification (germline): Uncertain significance (1 of 4 stars; one submission).

Conditions:
LIPA-related disorder. Also called: LIPA-related disorders; LIPA-related condition.

gnomAD v4.1: 7 of 1,612,530 alleles (0.00043%); highest among the groups gnomAD compares: Non-Finnish European, 0.00059%; no homozygotes.

Submission:

PreventionGenetics, part of Exact Sciences
Classification: Uncertain significance for LIPA-related condition. Last evaluated: 2025-05-28. Review status: criteria provided, single submitter. Criteria: ACMG Guidelines, 2015. Collection method: clinical testing. Allele origin: germline.
Comment: The LIPA c.982T>C variant is predicted to result in the amino acid substitution p.Tyr328His. To our knowledge, this variant has not been reported in the literature. This variant is reported in 0.00088% of alleles in individuals of European (Non-Finnish) descent in gnomAD. At this time, the clinical significance of this variant is uncertain due to the absence of conclusive functional and genetic evidence.